The following is an entry in ClinVar:

NC_000019.10:g.(?_2456650)_(2456953_?)dup

Gene: LMNB2 (lamin B2; minus strand). Cytogenetic location: 19p13.3.
Variant type: Duplication.
Identifiers: ClinVar variation 830908 (VCV000830908.6).

ClinVar aggregate classification (germline): Uncertain significance (1 of 4 stars; one submission).

Conditions:
Lipodystrophy, partial, acquired, susceptibility to (APLD). Also called: APLD, SUSCEPTIBILITY TO. Identifiers: MedGen C3887501, MONDO:0100476, OMIM 608709.
Progressive myoclonic epilepsy type 9. Identifiers: Orphanet 457265, MedGen C4225289, MONDO:0014685, OMIM 616540.

Submission:

Labcorp Genetics (formerly Invitae), Labcorp
Classification: Uncertain significance for Progressive myoclonic epilepsy type 9; Lipodystrophy, partial, acquired, susceptibility to. Last evaluated: 2021-03-06. Review status: criteria provided, single submitter. Criteria: Invitae Variant Classification Sherloc (09022015). Collection method: clinical testing. Allele origin: germline.
Comment: In summary, the available evidence is currently insufficient to determine the role of this variant in disease. Therefore, it has been classified as a Variant of Uncertain Significance. This variant has not been reported in the literature in individuals with LMNB2-related conditions. This variant results in a copy number gain of the genomic region encompassing exon 1 of the LMNB2 gene, which includes the initiator codon. The 5' end of this event is unknown as it extends beyond the assayed region for this gene and therefore may encompass additional genes. The 3' boundary is likely confined to intron 1 of the LMNB2 gene. As the precise location of this event is unknown, it may be in tandem or it may be located elsewhere in the genome.